The following is an entry in ClinVar:

NM_000138.5(FBN1):c.394G>A (p.Asp132Asn)

Gene: FBN1 (fibrillin 1; minus strand). Cytogenetic location: 15q21.1.
Variant type: single nucleotide variant.
Coding change: c.394G>A on transcript NM_000138.5 (MANE Select); coding-DNA position 394, G replaced by A.
Protein change: p.Asp132Asn; replaces aspartic acid 132 with asparagine.
Molecular consequence: missense variant.
Genome position (GRCh38, 1-based): chr15:48,600,187, C>T on the plus strand (G>A on the coding strand, the complement: FBN1 is on the minus strand). VCF-style: chr15-48600187-C-T. GRCh37 (hg19) VCF-style: chr15-48892384-C-T.
Other names: c.394G>A, p.Asp132Asn (NM_001406716.1, NM_001406717.1); short protein forms D132N.
Identifiers: ClinVar variation 2929174 (VCV002929174.5), dbSNP rs542798262, ClinGen allele CA270052190.

ClinVar aggregate classification (germline): Conflicting classifications of pathogenicity. Review status: criteria provided, conflicting classifications (1 of 4 stars). 3 submissions from 3 submitters: Uncertain significance (1); Benign (1). 1 of the submissions does not count toward it. Last evaluated 2025-10-29.

Conditions:
FBN1-related disorder. Also called: FBN1-related disorders.
Marfan syndrome (MFS). Also called: MARFAN SYNDROME, TYPE I; Marfan syndrome type 1; Marfan's syndrome; Marfan syndrome, classic; FBN1-Related Marfan Syndrome. Identifiers: Orphanet 284963, Orphanet 558, MedGen C0024796, MONDO:0007947, OMIM 154700.
Familial thoracic aortic aneurysm and aortic dissection (TAAD). Also called: Thoracic aortic aneurysms and dissections. Identifiers: Orphanet 91387, MedGen C4707243, MONDO:0019625.

Allele frequency attached by ClinVar (database versions not stated): gnomAD 0.00004; TOPMed 0.00002; gnomAD exomes 0.00001.
gnomAD v4.1: 14 of 1,613,766 alleles (0.00087%); highest among the groups gnomAD compares: African/African-American, 0.008%; no homozygotes.

Submissions (3):

Labcorp Genetics (formerly Invitae), Labcorp
Classification: Benign for Marfan syndrome; Familial thoracic aortic aneurysm and aortic dissection. Last evaluated: 2025-10-29. Review status: criteria provided, single submitter. Criteria: Invitae Variant Classification Sherloc (09022015). Collection method: clinical testing. Allele origin: germline.

All of Us Research Program, National Institutes of Health
Classification: Uncertain significance for Marfan syndrome. Last evaluated: 2023-05-04. Review status: criteria provided, single submitter. Criteria: ACMG Guidelines, 2015. Collection method: clinical testing. Allele origin: germline. Inheritance: Autosomal dominant inheritance. Observed: 1 variant allele, 1 heterozygote.
Comment: This missense variant replaces aspartic acid with asparagine at codon 132 of the FBN1 protein. Computational prediction suggests that this variant may not impact protein structure and function (internally defined REVEL score threshold <= 0.5, PMID: 27666373). To our knowledge, functional studies have not been reported for this variant. This variant has not been reported in individuals affected with FBN1-related disorders in the literature. This variant has been identified in 1/282502 chromosomes in the general population by the Genome Aggregation Database (gnomAD). The available evidence is insufficient to determine the role of this variant in disease conclusively. Therefore, this variant is classified as a Variant of Uncertain Significance.

This study involves interpretation of variants in research participants for the purpose of population health screening. Participant phenotype was not available at the time of variant classification. Additional details can be found in publication PMID: 35346344, PMCID: PMC8962531

PreventionGenetics, part of Exact Sciences
Classification: Uncertain significance for FBN1-related condition. Last evaluated: 2024-03-14. Review status: no assertion criteria provided. Collection method: clinical testing. Allele origin: germline. Not counted in ClinVar's aggregate classification.
Comment: The FBN1 c.394G>A variant is predicted to result in the amino acid substitution p.Asp132Asn. To our knowledge, this variant has not been reported in the literature. This variant is reported in 0.0040% of alleles in individuals of African descent in gnomAD. At this time, the clinical significance of this variant is uncertain due to the absence of conclusive functional and genetic evidence.